The following is an entry in ClinVar:

NM_001278116.2(L1CAM):c.391A>G (p.Met131Val)

Gene: L1CAM (L1 cell adhesion molecule; minus strand). Cytogenetic location: Xq28.
Variant type: single nucleotide variant.
Coding change: c.391A>G on transcript NM_001278116.2 (MANE Select); coding-DNA position 391, A replaced by G.
Protein change: p.Met131Val; replaces methionine 131 with valine.
Molecular consequence: missense variant.
Genome position (GRCh38, 1-based): chrX:153,872,161, T>C on the plus strand (A>G on the coding strand, the complement: L1CAM is on the minus strand). VCF-style: chrX-153872161-T-C. GRCh37 (hg19) VCF-style: chrX-153137616-T-C.
Other names: c.391A>G, p.Met131Val (NM_000425.5, NM_024003.3); c.376A>G, p.Met126Val (NM_001143963.2); short protein forms M131V, M126V.
Identifiers: ClinVar variation 2171203 (VCV002171203.29), dbSNP rs782416322, ClinGen allele CA10554608.

ClinVar aggregate classification (germline): Likely benign. Review status: criteria provided, multiple submitters, no conflicts (2 of 4 stars). 3 submissions from 3 submitters: Likely benign (3). Last evaluated 2024-12-01.

Conditions:
Spastic paraplegia. Identifiers: MedGen C0037772, HP:0001258.

Allele frequency attached by ClinVar (database versions not stated): gnomAD 0.00001; TOPMed 0.00001; ExAC 0.00003; gnomAD exomes 0.00004.

Submissions (3):

CeGaT Center for Human Genetics Tuebingen
Classification: Likely benign. Last evaluated: 2024-12-01. Review status: criteria provided, single submitter. Criteria: CeGaT Center For Human Genetics Tuebingen Variant Classification Criteria Version 2. Collection method: clinical testing. Allele origin: germline. Affected: yes. Observed: 5 variant alleles.
Comment: L1CAM: BP4, BS2

Blueprint Genetics
Classification: Likely benign. Last evaluated: 2024-10-14. Review status: criteria provided, single submitter. Criteria: ACMG Guidelines, 2015. Collection method: clinical testing. Allele origin: germline.

Labcorp Genetics (formerly Invitae), Labcorp
Classification: Likely benign for Spastic paraplegia. Last evaluated: 2024-09-06. Review status: criteria provided, single submitter. Criteria: Invitae Variant Classification Sherloc (09022015). Collection method: clinical testing. Allele origin: germline.